The following is an entry in ClinVar:

NM_014915.3(ANKRD26):c.3280T>G (p.Leu1094Val)

Gene: ANKRD26 (ankyrin repeat domain containing 26; minus strand). Cytogenetic location: 10p12.1.
Variant type: single nucleotide variant.
Coding change: c.3280T>G on transcript NM_014915.3 (MANE Select); coding-DNA position 3280, T replaced by G.
Protein change: p.Leu1094Val; replaces leucine 1094 with valine.
Molecular consequence: missense variant.
Genome position (GRCh38, 1-based): chr10:27,035,170, A>C on the plus strand (T>G on the coding strand, the complement: ANKRD26 is on the minus strand). VCF-style: chr10-27035170-A-C. GRCh37 (hg19) VCF-style: chr10-27324099-A-C.
Other names: c.3277T>G, p.Leu1093Val (NM_001256053.2); short protein forms L1093V, L1094V.
Identifiers: ClinVar variation 3396534 (VCV003396534.1).

ClinVar aggregate classification (germline): Uncertain significance (1 of 4 stars; one submission).

Conditions:
Inborn genetic diseases. Identifiers: MedGen C0950123, MeSH D030342.

gnomAD v4.1: 4 of 1,613,998 alleles (0.00025%); highest among the groups gnomAD compares: Non-Finnish European, 0.00034%; no homozygotes.

Submission:

Ambry Genetics
Classification: Uncertain significance for Inborn genetic diseases. Last evaluated: 2024-11-18. Review status: criteria provided, single submitter. Criteria: Ambry Variant Classification Scheme 2023. Collection method: clinical testing. Allele origin: germline.
Comment: The p.L1094V variant (also known as c.3280T>G), located in coding exon 24 of the ANKRD26 gene, results from a T to G substitution at nucleotide position 3280. The leucine at codon 1094 is replaced by valine, an amino acid with highly similar properties. This amino acid position is conserved. In addition, this alteration is predicted to be tolerated by in silico analysis. Based on the available evidence, the clinical significance of this variant remains unclear.